The following is an entry in ClinVar:

NM_001035.3(RYR2):c.8375C>A (p.Thr2792Asn)

Gene: RYR2 (ryanodine receptor 2; plus strand). Cytogenetic location: 1q43.
Variant type: single nucleotide variant.
Coding change: c.8375C>A on transcript NM_001035.3 (MANE Select); coding-DNA position 8375, C replaced by A.
Protein change: p.Thr2792Asn; replaces threonine 2792 with asparagine.
Molecular consequence: missense variant.
Genome position (GRCh38, 1-based): chr1:237,660,886, C>A. VCF-style: chr1-237660886-C-A. GRCh37 (hg19) VCF-style: chr1-237824186-C-A.
Other names: short protein forms T2792N.
Identifiers: ClinVar variation 3074871 (VCV003074871.1), dbSNP rs1683718769, ClinGen allele CA345401896.

ClinVar aggregate classification (germline): Uncertain significance (1 of 4 stars; one submission).

Conditions:
Catecholaminergic polymorphic ventricular tachycardia (CVPT). Also called: Catecholamine-induced polymorphic ventricular tachycardia. Identifiers: Orphanet 3286, MedGen C5574922, MONDO:0017990.

Allele frequency attached by ClinVar (database versions not stated): gnomAD 0.00001.
gnomAD v4.1: 1 of 1,538,316 alleles (0.000065%); highest among the groups gnomAD compares: Admixed American, 0.002%; no homozygotes.

Submission:

All of Us Research Program, National Institutes of Health
Classification: Uncertain significance for Catecholaminergic polymorphic ventricular tachycardia. Last evaluated: 2023-12-13. Review status: criteria provided, single submitter. Criteria: ACMG Guidelines, 2015. Collection method: clinical testing. Allele origin: germline. Inheritance: Autosomal dominant inheritance. Observed: 1 variant allele, 1 heterozygote.
Comment: This missense variant replaces threonine with asparagine at codon 2792 of the RYR2 protein. Computational prediction suggests that this variant may not impact protein structure and function (internally defined REVEL score threshold <= 0.5, PMID: 27666373). To our knowledge, functional studies have not been reported for this variant. This variant has not been reported in individuals affected with RYR2-related disorders in the literature. This variant has not been identified in the general population by the Genome Aggregation Database (gnomAD). The available evidence is insufficient to determine the role of this variant in disease conclusively. Therefore, this variant is classified as a Variant of Uncertain Significance.

This study involves interpretation of variants in research participants for the purpose of population health screening. Participant phenotype was not available at the time of variant classification. Additional details can be found in publication PMID: 35346344, PMCID: PMC8962531